The following is an entry in ClinVar:

NM_015046.7(SETX):c.820A>G (p.Met274Val)

Gene: SETX (senataxin; minus strand). Cytogenetic location: 9q34.13.
Variant type: single nucleotide variant.
Coding change: c.820A>G on transcript NM_015046.7 (MANE Select); coding-DNA position 820, A replaced by G.
Protein change: p.Met274Val; replaces methionine 274 with valine.
Molecular consequence: missense variant.
Genome position (GRCh38, 1-based): chr9:132,334,626, T>C on the plus strand (A>G on the coding strand, the complement: SETX is on the minus strand). VCF-style: chr9-132334626-T-C. GRCh37 (hg19) VCF-style: chr9-135210013-T-C.
Other names: c.820A>G, p.Met274Val (NM_001351527.2, NM_001351528.2); short protein forms M274V.
Identifiers: ClinVar variation 836058 (VCV000836058.13), dbSNP rs753713810, ClinGen allele CA5297932.
Genomic context (GRCh38, chr9:132,334,626, plus strand): 5'-CATCACTATATTCAACAACATTCAGCAAGTAAAGTTTATTACCATCTGCTTCCCTCTCCA[T>C]AGTGTGAAGTATCGATTGCATAAAATCATTTTGTTTGTCTGAGCCCAACAACAGGGAATC-3'
Protein context (NP_055861.3, residues 264-284): NDFMQSILHT[Met274Val]EREADDDSVD

ClinVar aggregate classification (germline): Conflicting classifications of pathogenicity. Review status: criteria provided, conflicting classifications (1 of 4 stars). 4 submissions from 4 submitters: Pathogenic (1); Uncertain significance (3). Last evaluated 2023-12-20.

Conditions:
SETX-related disorder. Also called: SETX-related condition; SETX-related disorders. Identifiers: MedGen CN239403.
Inborn genetic diseases. Identifiers: MedGen C0950123, MeSH D030342.
Spinocerebellar ataxia, autosomal recessive, with axonal neuropathy 2 (SCAN2). Also called: ATAXIA-OCULOMOTOR APRAXIA 2; Ataxia with Oculomotor Apraxia; Ataxia with Oculomotor Apraxia Type 2; Ataxia-ocular apraxia-2. Identifiers: Orphanet 64753, MedGen C1853761, MONDO:0018996, OMIM 606002.
Amyotrophic lateral sclerosis type 4 (ALS4). Also called: AMYOTROPHIC LATERAL SCLEROSIS 4, JUVENILE; NEURONOPATHY, DISTAL HEREDITARY MOTOR, WITH PYRAMIDAL FEATURES. Identifiers: Orphanet 357043, MedGen C1865409, MONDO:0011223, OMIM 602433.

Allele frequency attached by ClinVar (database versions not stated): gnomAD 0.00001; TOPMed 0.00001; ExAC 0.00002; gnomAD exomes 0.00003 and 0.00004.
gnomAD v4.1: 53 of 1,613,782 alleles (0.0033%); highest among the groups gnomAD compares: Non-Finnish European, 0.0041%; no homozygotes.

Submissions (4):

Ambry Genetics
Classification: Uncertain significance for Inborn genetic diseases. Last evaluated: 2023-12-20. Review status: criteria provided, single submitter. Criteria: Ambry Variant Classification Scheme 2023. Collection method: clinical testing. Allele origin: germline.
Comment: Unlikely to be causative of SETX-related juvenile amyotrophic lateral sclerosis (AD) Based on insufficient or conflicting evidence, the clinical significance of this alteration remains unclear.

PreventionGenetics, part of Exact Sciences
Classification: Uncertain significance for SETX-related condition. Last evaluated: 2022-10-26. Review status: criteria provided, single submitter. Criteria: ACMG Guidelines, 2015. Collection method: clinical testing. Allele origin: germline.
Comment: The SETX c.820A>G variant is predicted to result in the amino acid substitution p.Met274Val. This variant has been reported in the compound heterozygous state in two siblings with autosomal recessive spinocerebellar ataxia with axonal neuropathy 2 (Datta et al 2013. PubMed ID: 23566282), and in the heterozygous state in a patient with amyotrophic lateral sclerosis (ALS), where it was predicted to act in an oligogenic manner with other rare variants in ALS associated genes (Cady J et al 2014. PubMed ID: 25382069). This variant is reported in 0.0065% of alleles in individuals of South Asian descent in gnomAD. Although we suspect that this variant may be pathogenic for autosomal recessive SETX-associated disorders, at this time, the clinical significance of this variant is uncertain due to insufficient conclusive functional and genetic evidence.

Athena Diagnostics
Classification: Uncertain significance. Last evaluated: 2022-08-08. Review status: criteria provided, single submitter. Criteria: Athena Diagnostics Criteria. Collection method: clinical testing. Allele origin: unknown.

Labcorp Genetics (formerly Invitae), Labcorp
Classification: Pathogenic for Amyotrophic lateral sclerosis type 4; Spinocerebellar ataxia, autosomal recessive, with axonal neuropathy 2. Last evaluated: 2022-03-17. Review status: criteria provided, single submitter. Criteria: Invitae Variant Classification Sherloc (09022015). Collection method: clinical testing. Allele origin: germline.
Comment: This sequence change replaces methionine, which is neutral and non-polar, with valine, which is neutral and non-polar, at codon 274 of the SETX protein (p.Met274Val). For these reasons, this variant has been classified as Pathogenic. Advanced modeling of protein sequence and biophysical properties (such as structural, functional, and spatial information, amino acid conservation, physicochemical variation, residue mobility, and thermodynamic stability) performed at Invitae indicates that this missense variant is expected to disrupt SETX protein function. ClinVar contains an entry for this variant (Variation ID: 836058). This missense change has been observed in individual(s) with autosomal recessive spinocerebellar ataxia (PMID: 23566282). In at least one individual the data is consistent with being in trans (on the opposite chromosome) from a pathogenic variant. It has also been observed to segregate with disease in related individuals. This variant is present in population databases (rs753713810, gnomAD 0.006%).

Literature cited by the submitters: PubMed 23566282 (cited by 3 submitters); PubMed 25382069 (cited by Athena Diagnostics); PubMed 24760770 (cited by Athena Diagnostics); PubMed 31325016 (cited by Athena Diagnostics).